The following is an entry in ClinVar:

NM_016122.3(CEP83):c.1064A>T (p.Asn355Ile)

Gene: CEP83 (centrosomal protein 83; minus strand). Cytogenetic location: 12q22.
Variant type: single nucleotide variant.
Coding change: c.1064A>T on transcript NM_016122.3 (MANE Select); coding-DNA position 1064, A replaced by T.
Protein change: p.Asn355Ile; replaces asparagine 355 with isoleucine.
Molecular consequence: missense variant. On other transcripts: non-coding transcript variant (1).
Genome position (GRCh38, 1-based): chr12:94,368,186, T>A on the plus strand (A>T on the coding strand, the complement: CEP83 is on the minus strand). VCF-style: chr12-94368186-T-A. GRCh37 (hg19) VCF-style: chr12-94761962-T-A.
Other names: c.1064A>T, p.Asn355Ile (NM_001042399.2, NM_001346457.2, NM_001368037.1 and 1 more transcripts); c.752A>T, p.Asn251Ile (NM_001346458.2, NM_001346459.2, NM_001368039.1 and 1 more transcripts); c.839A>T, p.Asn280Ile (NM_001368041.1); short protein forms N251I, N280I, N355I.
Identifiers: ClinVar variation 2091444 (VCV002091444.4), dbSNP rs1566001244, ClinGen allele CA386145932.

ClinVar aggregate classification (germline): Uncertain significance (1 of 4 stars; one submission).

Conditions:
Nephronophthisis 18 (NPHP18). Identifiers: Orphanet 655, MedGen C3890591, MONDO:0014374, OMIM 615862.

gnomAD v4.1: 1 of 1,612,294 alleles (0.000062%); highest among the groups gnomAD compares: South Asian, 0.0011%; no homozygotes.

Submission:

Labcorp Genetics (formerly Invitae), Labcorp
Classification: Uncertain significance for Nephronophthisis 18. Last evaluated: 2022-02-01. Review status: criteria provided, single submitter. Criteria: Invitae Variant Classification Sherloc (09022015). Collection method: clinical testing. Allele origin: germline.
Comment: This sequence change replaces asparagine, which is neutral and polar, with isoleucine, which is neutral and non-polar, at codon 355 of the CEP83 protein (p.Asn355Ile). This variant is not present in population databases (gnomAD no frequency). This variant has not been reported in the literature in individuals affected with CEP83-related conditions. Algorithms developed to predict the effect of missense changes on protein structure and function are either unavailable or do not agree on the potential impact of this missense change (SIFT: "Not Available"; PolyPhen-2: "Possibly Damaging"; Align-GVGD: "Not Available"). In summary, the available evidence is currently insufficient to determine the role of this variant in disease. Therefore, it has been classified as a Variant of Uncertain Significance.